The following is an entry in ClinVar:

ClinVar aggregate classification (germline): Uncertain significance (1 of 4 stars; one submission).

Submission:

CeGaT Center for Human Genetics Tuebingen
Classification: Uncertain significance. Last evaluated: 2022-10-01. Review status: criteria provided, single submitter. Criteria: CeGaT Center For Human Genetics Tuebingen Variant Classification Criteria Version 2. Collection method: clinical testing. Allele origin: germline. Affected: yes. Observed: 1 variant allele.
Comment: RFX3: PM2, PVS1:Moderate

NM_001282116.2(RFX3):c.1609C>T (p.Gln537Ter)

Gene: RFX3 (regulatory factor X3; minus strand). Cytogenetic location: 9p24.2.
Variant type: single nucleotide variant.
Coding change: c.1609C>T on transcript NM_001282116.2 (MANE Select); coding-DNA position 1609, C replaced by T.
Protein change: p.Gln537Ter; replaces glutamine 537 with a stop codon.
Molecular consequence: nonsense.
Genome position (GRCh38, 1-based): chr9:3,257,196, G>A on the plus strand (C>T on the coding strand, the complement: RFX3 is on the minus strand). VCF-style: chr9-3257196-G-A. GRCh37 (hg19) VCF-style: chr9-3257196-G-A.
Other names: c.1609C>T, p.Gln537Ter (NM_001377999.1, NM_002919.4, NM_134428.3); short protein forms Q537*.
Identifiers: ClinVar variation 2659038 (VCV002659038.24), dbSNP rs2489195931, ClinGen allele CA372843968.